The following is an entry in ClinVar:

NM_000439.5(PCSK1):c.1434C>T (p.Ala478=)

Genes: CAST (calpastatin; plus strand), PCSK1 (proprotein convertase subtilisin/kexin type 1; minus strand), LOC101929710 (uncharacterized LOC101929710; plus strand). Cytogenetic location: 5q15.
Variant type: single nucleotide variant.
Coding change: c.1434C>T on transcript NM_000439.5 (MANE Select); coding-DNA position 1434, C replaced by T.
Protein change: p.Ala478=; no amino-acid change (alanine 478 retained).
Molecular consequence: synonymous variant. On other transcripts: intron variant (11).
Genome position (GRCh38, 1-based): chr5:96,399,033, G>A on the plus strand (C>T on the coding strand, the complement: PCSK1 is on the minus strand). VCF-style: chr5-96399033-G-A. GRCh37 (hg19) VCF-style: chr5-95734737-G-A.
Other names: c.1293C>T, p.Ala431= (NM_001177875.2); c.-175+19381G>A (NM_001423254.1, NM_001423259.1, NM_001423255.1 and 6 more transcripts); c.-103+19381G>A (NM_001423253.1); c.-40+19381G>A (NM_001423258.1).
Identifiers: ClinVar variation 3353409 (VCV003353409.3).

ClinVar aggregate classification (germline): Likely benign. Review status: criteria provided, single submitter (1 of 4 stars). 2 submissions from 2 submitters: Likely benign (1). 1 of the submissions does not count toward it. Last evaluated 2024-04-18.

Conditions:
PCSK1-related disorder. Also called: PCSK1-related condition.

gnomAD v4.1: 10 of 1,606,782 alleles (0.00062%); highest among the groups gnomAD compares: Non-Finnish European, 0.00077%; no homozygotes.

Submissions (2):

Labcorp Genetics (formerly Invitae), Labcorp
Classification: Likely benign. Last evaluated: 2024-04-18. Review status: criteria provided, single submitter. Criteria: Invitae Variant Classification Sherloc (09022015). Collection method: clinical testing. Allele origin: germline.

PreventionGenetics, part of Exact Sciences
Classification: Likely benign for PCSK1-related condition. Last evaluated: 2019-10-22. Review status: no assertion criteria provided. Collection method: clinical testing. Allele origin: germline. Not counted in ClinVar's aggregate classification.
Comment: This variant is classified as likely benign based on ACMG/AMP sequence variant interpretation guidelines (Richards et al. 2015 PMID: 25741868, with internal and published modifications).